The following is an entry in ClinVar:

NM_000433.4(NCF2):c.1501G>A (p.Gly501Arg)

Gene: NCF2 (neutrophil cytosolic factor 2; minus strand). Cytogenetic location: 1q25.3.
Variant type: single nucleotide variant.
Coding change: c.1501G>A on transcript NM_000433.4 (MANE Select); coding-DNA position 1501, G replaced by A.
Protein change: p.Gly501Arg; replaces glycine 501 with arginine.
Molecular consequence: missense variant.
Genome position (GRCh38, 1-based): chr1:183,556,198, C>T on the plus strand (G>A on the coding strand, the complement: NCF2 is on the minus strand). VCF-style: chr1-183556198-C-T. GRCh37 (hg19) VCF-style: chr1-183525333-C-T.
Other names: c.1501G>A, p.Gly501Arg (NM_001127651.3); c.1258G>A, p.Gly420Arg (NM_001190789.2); c.1366G>A, p.Gly456Arg (NM_001190794.2); c.1393G>A, p.Gly465Arg (NM_001410895.1); short protein forms G465R, G420R, G456R, G501R.
Identifiers: ClinVar variation 2196838 (VCV002196838.1), dbSNP rs745740745, ClinGen allele CA1284576.

ClinVar aggregate classification (germline): Uncertain significance (1 of 4 stars; one submission).

Conditions:
Granulomatous disease, chronic, autosomal recessive, cytochrome b-positive, type 2. Also called: GRANULOMATOUS DISEASE, CHRONIC, AUTOSOMAL RECESSIVE, 2; CGD, AUTOSOMAL RECESSIVE CYTOCHROME b-POSITIVE, TYPE II; GRANULOMATOUS DISEASE, CHRONIC, DUE TO NCF2 DEFICIENCY; Chronic granulomatous disease due to deficiency of NCF-2; Chronic Granulomatous Disease, Autosomal Recessive, Cytochrome b-Positive, Type II. Identifiers: Orphanet 379, MedGen C1856245, MONDO:0009310, OMIM 233710.

Allele frequency attached by ClinVar (database versions not stated): TOPMed below 0.00001; gnomAD 0.00001; gnomAD exomes 0.00006; ExAC 0.00012.
gnomAD v4.1: 80 of 1,614,058 alleles (0.005%); highest among the groups gnomAD compares: South Asian, 0.078%; 1 homozygote.

Submission:

Labcorp Genetics (formerly Invitae), Labcorp
Classification: Uncertain significance for Granulomatous disease, chronic, autosomal recessive, cytochrome b-positive, type 2. Last evaluated: 2022-06-19. Review status: criteria provided, single submitter. Criteria: Invitae Variant Classification Sherloc (09022015). Collection method: clinical testing. Allele origin: germline.
Comment: This sequence change replaces glycine, which is neutral and non-polar, with arginine, which is basic and polar, at codon 501 of the NCF2 protein (p.Gly501Arg). This variant is present in population databases (rs745740745, gnomAD 0.07%). This missense change has been observed in individual(s) with very early onset inflammatory bowel disease (PMID: 32081864). Algorithms developed to predict the effect of missense changes on protein structure and function (SIFT, PolyPhen-2, Align-GVGD) all suggest that this variant is likely to be disruptive. Experimental studies have shown that this missense change affects NCF2 function (PMID: 24931457). Algorithms developed to predict the effect of sequence changes on RNA splicing suggest that this variant may create or strengthen a splice site. In summary, the available evidence is currently insufficient to determine the role of this variant in disease. Therefore, it has been classified as a Variant of Uncertain Significance.

Literature cited by the submitters: PubMed 32081864; PubMed 24931457.